The following is an entry in ClinVar:

ClinVar aggregate classification (germline): Likely benign (0 of 4 stars; one submission).

Conditions:
UNC45B-related disorder. Also called: UNC45B-related condition.

Allele frequency attached by ClinVar (database versions not stated): ExAC 0.00001.
gnomAD v4.1: 1 of 1,613,894 alleles (0.000062%); highest among the groups gnomAD compares: Admixed American, 0.0017%; no homozygotes.

Submission:

PreventionGenetics, part of Exact Sciences
Classification: Likely benign for UNC45B-related condition. Last evaluated: 2022-09-26. Review status: no assertion criteria provided. Collection method: clinical testing. Allele origin: germline.
Comment: This variant is classified as likely benign based on ACMG/AMP sequence variant interpretation guidelines (Richards et al. 2015 PMID: 25741868, with internal and published modifications).

NM_001267052.2(UNC45B):c.2535C>G (p.Thr845=)

Gene: UNC45B (unc-45 myosin chaperone B; plus strand). Cytogenetic location: 17q12.
Variant type: single nucleotide variant.
Coding change: c.2535C>G on transcript NM_001267052.2 (MANE Select); coding-DNA position 2535, C replaced by G.
Protein change: p.Thr845=; no amino-acid change (threonine 845 retained).
Molecular consequence: synonymous variant.
Genome position (GRCh38, 1-based): chr17:35,186,304, C>G. VCF-style: chr17-35186304-C-G. GRCh37 (hg19) VCF-style: chr17-33513323-C-G.
Other names: c.2535C>G, p.Thr845= (NM_001033576.2); c.2298C>G, p.Thr766= (NM_001308281.1); c.2541C>G, p.Thr847= (NM_173167.3).
Identifiers: ClinVar variation 3052515 (VCV003052515.2), dbSNP rs201746299, ClinGen allele CA8501577.